The following is an entry in ClinVar:

ClinVar aggregate classification (germline): Uncertain significance (1 of 4 stars; one submission).

gnomAD v4.1: 1 of 1,581,132 alleles (0.000063%); highest among the groups gnomAD compares: Admixed American, 0.0018%; no homozygotes.

Submission:

Labcorp Genetics (formerly Invitae), Labcorp
Classification: Uncertain significance. Last evaluated: 2022-08-03. Review status: criteria provided, single submitter. Criteria: Invitae Variant Classification Sherloc (09022015). Collection method: clinical testing. Allele origin: germline.
Comment: This sequence change replaces glutamine, which is neutral and polar, with histidine, which is basic and polar, at codon 26 of the PROSC protein (p.Gln26His). This variant is not present in population databases (gnomAD no frequency). This variant has not been reported in the literature in individuals affected with PROSC-related conditions. Algorithms developed to predict the effect of missense changes on protein structure and function are either unavailable or do not agree on the potential impact of this missense change (SIFT: "Deleterious"; PolyPhen-2: "Benign"; Align-GVGD: "Class C0"). In summary, the available evidence is currently insufficient to determine the role of this variant in disease. Therefore, it has been classified as a Variant of Uncertain Significance.

NM_007198.4(PLPBP):c.78G>C (p.Gln26His)

Genes: PLPBP (pyridoxal phosphate binding protein; plus strand), LOC113788277 (Sharpr-MPRA regulatory region 13802; plus strand). Cytogenetic location: 8p11.23.
Variant type: single nucleotide variant.
Coding change: c.78G>C on transcript NM_007198.4 (MANE Select); coding-DNA position 78, G replaced by C.
Protein change: p.Gln26His; replaces glutamine 26 with histidine.
Molecular consequence: missense variant. On other transcripts: intron variant (1).
Genome position (GRCh38, 1-based): chr8:37,762,737, G>C. VCF-style: chr8-37762737-G-C. GRCh37 (hg19) VCF-style: chr8-37620255-G-C.
Other names: c.78G>C, p.Gln26His (NM_001349346.2, NM_001349347.2); c.183G>C, p.Gln61His (NM_001349349.1); c.-58+37G>C (NM_001349348.2); short protein forms Q26H, Q61H.
Identifiers: ClinVar variation 2093068 (VCV002093068.3), dbSNP rs1803512778, ClinGen allele CA370665892.